The following is an entry in ClinVar:

ClinVar aggregate classification (germline): Uncertain significance (1 of 4 stars; one submission).

Submission:

Dasa
Classification: Uncertain significance. Last evaluated: 2025-09-22. Review status: criteria provided, single submitter. Criteria: DASA Assertion Criteria. Collection method: clinical testing. Allele origin: germline.
Comment: NM_139137.4(KCNC2):c.167C>G (p.Pro56Arg) is a missense variant that results in the substitution of proline with arginine. This variant is absent from population databases. The currently available literature and clinical evidence are not sufficient to establish a definitive association between this variant and the reported condition. Therefore, this variant is classified as a variant of uncertain significance.

NM_139137.4(KCNC2):c.167C>G (p.Pro56Arg)

Gene: KCNC2 (potassium voltage-gated channel subfamily C member 2; minus strand). Cytogenetic location: 12q21.1.
Variant type: single nucleotide variant.
Coding change: c.167C>G on transcript NM_139137.4 (MANE Select); coding-DNA position 167, C replaced by G.
Protein change: p.Pro56Arg; replaces proline 56 with arginine.
Molecular consequence: missense variant. On other transcripts: non-coding transcript variant (2).
Genome position (GRCh38, 1-based): chr12:75,207,817, G>C on the plus strand (C>G on the coding strand, the complement: KCNC2 is on the minus strand). VCF-style: chr12-75207817-G-C. GRCh37 (hg19) VCF-style: chr12-75601597-G-C.
Other names: c.167C>G, p.Pro56Arg (NM_153748.3, NM_001260497.2, NM_001260498.2 and 13 more transcripts); short protein forms P56R.
Identifiers: ClinVar variation 4885701 (VCV004885701.2).